The following is an entry in ClinVar:

NM_000059.4(BRCA2):c.4414A>G (p.Lys1472Glu)

Gene: BRCA2 (BRCA2 DNA repair associated; plus strand). Cytogenetic location: 13q13.1.
Variant type: single nucleotide variant.
Coding change: c.4414A>G on transcript NM_000059.4 (MANE Select); coding-DNA position 4414, A replaced by G.
Protein change: p.Lys1472Glu; replaces lysine 1472 with glutamic acid.
Molecular consequence: missense variant.
Genome position (GRCh38, 1-based): chr13:32,338,769, A>G. VCF-style: chr13-32338769-A-G. GRCh37 (hg19) VCF-style: chr13-32912906-A-G.
Other names: short protein forms K1472E.
Identifiers: ClinVar variation 409451 (VCV000409451.23), dbSNP rs757821270, ClinGen allele CA6940778.

ClinVar aggregate classification (germline): Conflicting classifications of pathogenicity. Review status: criteria provided, conflicting classifications (1 of 4 stars). 5 submissions from 5 submitters: Uncertain significance (2); Likely benign (2). 1 of the submissions does not count toward it. Last evaluated 2025-08-22.

Conditions:
Hereditary cancer-predisposing syndrome. Also called: Tumor predisposition; Hereditary Cancer Syndrome; Hereditary neoplastic syndrome; Neoplastic Syndromes, Hereditary. Identifiers: Orphanet 140162, MedGen C0027672, MeSH D009386, MONDO:0015356.
Hereditary breast ovarian cancer syndrome. Also called: Hereditary breast and ovarian cancer; Hereditary breast and/or ovarian cancer syndrome; BRCA1- and BRCA2-Associated Hereditary Breast and Ovarian Cancer; Hereditary breast and ovarian cancer syndrome; Hereditary breast and ovarian cancer syndrome (HBOC); Breast and ovarian cancer. Identifiers: Orphanet 145, MedGen C0677776, MeSH D061325, MONDO:0003582. Disease mechanism: loss of function.
Malignant tumor of breast. Also called: Malignant breast neoplasm; Cancer breast. Identifiers: MedGen C0006142, MONDO:0007254. Disease mechanism: loss of function.
BRCA2-related cancer predisposition. Identifiers: MedGen CN377758, MONDO:0700269.

Allele frequency attached by ClinVar (database versions not stated): gnomAD exomes below 0.00001; ExAC 0.00001.
gnomAD v4.1: 1 of 1,611,040 alleles (0.000062%); highest among the groups gnomAD compares: Non-Finnish European, 0.000085%; no homozygotes.

Submissions (5):

Ambry Genetics
Classification: Likely benign for Hereditary cancer-predisposing syndrome. Last evaluated: 2025-08-22. Review status: criteria provided, single submitter. Criteria: Ambry Variant Classification Scheme 2023. Collection method: clinical testing. Allele origin: germline.

Labcorp Genetics (formerly Invitae), Labcorp
Classification: Uncertain significance for Hereditary breast ovarian cancer syndrome. Last evaluated: 2024-12-04. Review status: criteria provided, single submitter. Criteria: Invitae Variant Classification Sherloc (09022015). Collection method: clinical testing. Allele origin: germline.
Comment: This sequence change replaces lysine, which is basic and polar, with glutamic acid, which is acidic and polar, at codon 1472 of the BRCA2 protein (p.Lys1472Glu). This variant is present in population databases (rs757821270, gnomAD 0.0009%). This variant has not been reported in the literature in individuals affected with BRCA2-related conditions. ClinVar contains an entry for this variant (Variation ID: 409451). Invitae Evidence Modeling of protein sequence and biophysical properties (such as structural, functional, and spatial information, amino acid conservation, physicochemical variation, residue mobility, and thermodynamic stability) indicates that this missense variant is not expected to disrupt BRCA2 protein function with a negative predictive value of 95%. In summary, the available evidence is currently insufficient to determine the role of this variant in disease. Therefore, it has been classified as a Variant of Uncertain Significance.

All of Us Research Program, National Institutes of Health
Classification: Uncertain significance for BRCA2-related cancer predisposition. Last evaluated: 2024-07-20. Review status: criteria provided, single submitter. Criteria: ACMG Guidelines, 2015. Collection method: clinical testing. Allele origin: germline. Inheritance: Autosomal dominant inheritance. Observed: 1 variant allele, 1 heterozygote.
Comment: This missense variant replaces lysine with glutamic acid at codon 1472 of the BRCA2 protein. Computational prediction suggests that this variant may not impact protein structure and function (internally defined REVEL score threshold <= 0.5, PMID: 27666373). To our knowledge, functional studies have not been reported for this variant. This variant has not been reported in individuals affected with BRCA2-related disorders in the literature. This variant has been identified in 1/248776 chromosomes in the general population by the Genome Aggregation Database (gnomAD). The available evidence is insufficient to determine the role of this variant in disease conclusively. Therefore, this variant is classified as a Variant of Uncertain Significance.

This study involves interpretation of variants in research participants for the purpose of population health screening. Participant phenotype was not available at the time of variant classification. Additional details can be found in publication PMID: 35346344, PMCID: PMC8962531

University of Washington Department of Laboratory Medicine, University of Washington
Classification: Likely benign for Hereditary cancer-predisposing syndrome. Last evaluated: 2023-03-23. Review status: criteria provided, single submitter. Criteria: Dines et al. (Genet Med. 2020). Collection method: curation. Allele origin: germline.
Comment: Missense variant in a coldspot region where missense variants are very unlikely to be pathogenic (PMID:31911673).

BRCA2 exon 11 coldspot. Reclassification based on statistical prior probability.

Department of Pathology and Laboratory Medicine, Sinai Health System
Classification: Uncertain significance for Malignant tumor of breast. Review status: no assertion criteria provided. Collection method: clinical testing. Allele origin: unknown. Affected: yes. Observed: 1 variant allele. Study: The Canadian Open Genetics Repository (COGR). Not counted in ClinVar's aggregate classification.
Comment: The p.Lys1472Glu variant not identified in the literature, nor was it identified in the dbSNP, NHLBI Exome Sequencing Project (Exome Variant Server), HGMD, LOVD, COSMIC, UMD, or BIC databases. This residue is not conserved in mammals and lower organism and computational analyses (PolyPhen-2, SIFT, AlignGVGD, BLOSUM, MutationTaster) provide inconsistent predictions regarding the impact to the protein; this information is not very predictive of pathogenicity. In summary, based on the above information, the clinical significance of this variant cannot be determined with certainty at this time. This variant is classified as a variant of unknown significance.